The following is an entry in ClinVar:

ClinVar aggregate classification (germline): Uncertain significance (1 of 4 stars; one submission).

Conditions:
Inborn genetic diseases. Identifiers: MedGen C0950123, MeSH D030342.

gnomAD v4.1: 1 of 1,614,168 alleles (0.000062%); highest among the groups gnomAD compares: South Asian, 0.0011%; no homozygotes.

Submission:

Ambry Genetics
Classification: Uncertain significance for Inborn genetic diseases. Last evaluated: 2026-04-02. Review status: criteria provided, single submitter. Criteria: Ambry Variant Classification Scheme 2023. Collection method: clinical testing. Allele origin: germline.
Comment: The p.S182C variant (also known as c.545C>G), located in coding exon 5 of the ETV6 gene, results from a C to G substitution at nucleotide position 545. The serine at codon 182 is replaced by cysteine, an amino acid with dissimilar properties. This amino acid position is conserved. In addition, this alteration is predicted to be tolerated by in silico analysis. Based on the available evidence, the clinical significance of this variant remains unclear.

NM_001987.5(ETV6):c.545C>G (p.Ser182Cys)

Gene: ETV6 (ETS variant transcription factor 6; plus strand). Cytogenetic location: 12p13.2.
Variant type: single nucleotide variant.
Coding change: c.545C>G on transcript NM_001987.5 (MANE Select); coding-DNA position 545, C replaced by G.
Protein change: p.Ser182Cys; replaces serine 182 with cysteine.
Molecular consequence: missense variant.
Genome position (GRCh38, 1-based): chr12:11,869,505, C>G. VCF-style: chr12-11869505-C-G. GRCh37 (hg19) VCF-style: chr12-12022439-C-G.
Other names: c.542C>G, p.Ser181Cys (NM_001413913.1); c.518C>G, p.Ser173Cys (NM_001413914.1); c.281C>G, p.Ser94Cys (NM_001413915.1); c.545C>G, p.Ser182Cys (NM_001413916.1, NM_001413917.1); short protein forms S173C, S181C, S182C, S94C.
Identifiers: ClinVar variation 4870653 (VCV004870653.1).